The following is an entry in ClinVar:

NM_002734.5(PRKAR1A):c.571G>A (p.Ala191Thr)

Gene: PRKAR1A (protein kinase cAMP-dependent type I regulatory subunit alpha; plus strand). Cytogenetic location: 17q24.2.
Variant type: single nucleotide variant.
Coding change: c.571G>A on transcript NM_002734.5 (MANE Select); coding-DNA position 571, G replaced by A.
Protein change: p.Ala191Thr; replaces alanine 191 with threonine.
Molecular consequence: missense variant.
Genome position (GRCh38, 1-based): chr17:68,525,775, G>A. VCF-style: chr17-68525775-G-A. GRCh37 (hg19) VCF-style: chr17-66521916-G-A.
Other names: c.571G>A, p.Ala191Thr (NM_001276289.2, NM_001276290.1, NM_001278433.2 and 4 more transcripts); short protein forms A191T.
Identifiers: ClinVar variation 536888 (VCV000536888.14), dbSNP rs1555814054, ClinGen allele CA400753098.
Genomic context (GRCh38, chr17:68,525,775, plus strand): 5'-TCTAGAAAATAAACTTTTTTGATGTCACTTGCACTTTAGGTCTATGTTAACAATGAATGG[G>A]CAACCAGTGTTGGGGAAGGAGGGAGCTTTGGAGAACTTGCTTTGATTTATGGAACACCGA-3'
Protein context (NP_002725.1, residues 181-201): ETDVYVNNEW[Ala191Thr]TSVGEGGSFG

ClinVar aggregate classification (germline): Uncertain significance. Review status: criteria provided, multiple submitters, no conflicts (2 of 4 stars). 3 submissions from 3 submitters: Uncertain significance (3). Last evaluated 2025-05-07.

Conditions:
Hereditary cancer-predisposing syndrome. Also called: Tumor predisposition; Hereditary Cancer Syndrome; Hereditary neoplastic syndrome; Neoplastic Syndromes, Hereditary. Identifiers: Orphanet 140162, MedGen C0027672, MeSH D009386, MONDO:0015356.
Acrodysostosis 1 with or without hormone resistance (ACRDYS1). Also called: ACRODYSOSTOSIS WITH HORMONE RESISTANCE; ACRODYSOSTOSIS 1 WITH HORMONE RESISTANCE; ACRODYSOSTOSIS 1 WITHOUT HORMONE RESISTANCE. Identifiers: Orphanet 280651, MedGen C3276228, MONDO:0007044, OMIM 101800.
Carney complex, type 1 (CNC1). Also called: CARNEY MYXOMA-ENDOCRINE COMPLEX; CARNEY COMPLEX, TYPE I. Identifiers: Orphanet 1359, MedGen C2607929, MONDO:0008057, OMIM 160980.

Submissions (3):

Ambry Genetics
Classification: Uncertain significance for Hereditary cancer-predisposing syndrome. Last evaluated: 2025-05-07. Review status: criteria provided, single submitter. Criteria: Ambry Variant Classification Scheme 2023. Collection method: clinical testing. Allele origin: germline.
Comment: The p.A191T variant (also known as c.571G>A), located in coding exon 6 of the PRKAR1A gene, results from a G to A substitution at nucleotide position 571. The alanine at codon 191 is replaced by threonine, an amino acid with similar properties. This amino acid position is not well conserved in available vertebrate species. In addition, the in silico prediction for this alteration is inconclusive. Based on the available evidence, the clinical significance of this variant remains unclear.

Labcorp Genetics (formerly Invitae), Labcorp
Classification: Uncertain significance for Carney complex, type 1. Last evaluated: 2024-03-23. Review status: criteria provided, single submitter. Criteria: Invitae Variant Classification Sherloc (09022015). Collection method: clinical testing. Allele origin: germline.
Comment: This sequence change replaces alanine, which is neutral and non-polar, with threonine, which is neutral and polar, at codon 191 of the PRKAR1A protein (p.Ala191Thr). This variant is not present in population databases (gnomAD no frequency). This variant has not been reported in the literature in individuals affected with PRKAR1A-related conditions. ClinVar contains an entry for this variant (Variation ID: 536888). Advanced modeling of protein sequence and biophysical properties (such as structural, functional, and spatial information, amino acid conservation, physicochemical variation, residue mobility, and thermodynamic stability) performed at Invitae indicates that this missense variant is not expected to disrupt PRKAR1A protein function with a negative predictive value of 80%. In summary, the available evidence is currently insufficient to determine the role of this variant in disease. Therefore, it has been classified as a Variant of Uncertain Significance.

Baylor Genetics
Classification: Uncertain significance for Acrodysostosis 1 with or without hormone resistance. Last evaluated: 2023-09-12. Review status: criteria provided, single submitter. Criteria: ACMG Guidelines, 2015. Collection method: clinical testing. Allele origin: unknown.